The following is an entry in ClinVar:

NM_000228.3(LAMB3):c.1594C>T (p.Arg532Ter)

Gene: LAMB3 (laminin subunit beta 3; minus strand). Cytogenetic location: 1q32.2.
Variant type: single nucleotide variant.
Coding change: c.1594C>T on transcript NM_000228.3 (MANE Select); coding-DNA position 1594, C replaced by T.
Protein change: p.Arg532Ter; replaces arginine 532 with a stop codon.
Molecular consequence: nonsense.
Genome position (GRCh38, 1-based): chr1:209,626,870, G>A on the plus strand (C>T on the coding strand, the complement: LAMB3 is on the minus strand). VCF-style: chr1-209626870-G-A. GRCh37 (hg19) VCF-style: chr1-209800215-G-A.
Other names: c.1594C>T, p.Arg532Ter (NM_001017402.2, NM_001127641.1); short protein forms R532*.
Identifiers: ClinVar variation 917773 (VCV000917773.6), dbSNP rs757145297, ClinGen allele CA36756919.

ClinVar aggregate classification (germline): Pathogenic/Likely pathogenic. Review status: criteria provided, multiple submitters, no conflicts (2 of 4 stars). 3 submissions from 3 submitters: Pathogenic (2); Likely pathogenic (1). Last evaluated 2023-05-20.

Conditions:
Junctional epidermolysis bullosa gravis of Herlitz. Also called: Herlitz-type junctional epidermolysis bullosa; EPIDERMOLYSIS BULLOSA, JUNCTIONAL 1B, SEVERE; EPIDERMOLYSIS BULLOSA JUNCTIONALIS, HERLITZ TYPE; EPIDERMOLYSIS BULLOSA, JUNCTIONAL, HERLITZ-PEARSON TYPE; JEB-HERLITZ TYPE; Epidermolysis Bullosa Letalis. Identifiers: Orphanet 79404, MedGen C0079683, MONDO:0009182, OMIM 226700.

Allele frequency attached by ClinVar (database versions not stated): TOPMed below 0.00001; gnomAD exomes 0.00001.

Submissions (3):

Neuberg Centre For Genomic Medicine, NCGM
Classification: Pathogenic for Junctional epidermolysis bullosa gravis of Herlitz. Last evaluated: 2023-05-20. Review status: criteria provided, single submitter. Criteria: ACMG Guidelines, 2015. Collection method: clinical testing. Allele origin: germline. Inheritance: Autosomal recessive inheritance. Affected: yes.
Comment: The observed stop gained c.1594C>T(p.Arg532Ter) variant in LAMB3 gene has been reported previously in individuals affected with Junctional Epidermolysis Bullosa (Badran EF, et al., 2013; Varki R, et al., 2006). The c.1594C>T variant has been reported with allele frequency of 0.001% in gnomAD Exomes. This variant has been reported to the ClinVar database as Likely Pathogenic / Pathogenic. Computational evidence (MutationTaster - Disease causing) predicts a damaging effect on protein structure and function for this variant. The nucleotide change c.1594C>T in LAMB3 is predicted as conserved by GERP++ and PhyloP across 100 vertebrates. This sequence change creates a premature translational stop signal (p.Arg532Ter) in the LAMB3 gene. This variant is predicted to cause loss of normal protein function through protein truncation. Loss of function variants in LAMB3 gene have been previously reported to be disease causing (Nakano A, et al., 2000). For these reasons, this variant has been classified as Pathogenic.

Labcorp Genetics (formerly Invitae), Labcorp
Classification: Pathogenic. Last evaluated: 2022-10-20. Review status: criteria provided, single submitter. Criteria: Invitae Variant Classification Sherloc (09022015). Collection method: clinical testing. Allele origin: germline.
Comment: For these reasons, this variant has been classified as Pathogenic. ClinVar contains an entry for this variant (Variation ID: 917773). This sequence change creates a premature translational stop signal (p.Arg532*) in the LAMB3 gene. It is expected to result in an absent or disrupted protein product. Loss-of-function variants in LAMB3 are known to be pathogenic (PMID: 11023379, 16473856). This variant is present in population databases (rs757145297, gnomAD 0.006%). This premature translational stop signal has been observed in individual(s) with junctional epidermolysis bullosa (PMID: 16473856).

Women's Health and Genetics/Laboratory Corporation of America, LabCorp
Classification: Likely pathogenic for Junctional epidermolysis bullosa gravis of Herlitz. Last evaluated: 2020-04-02. Review status: criteria provided, single submitter. Criteria: LabCorp Variant Classification Summary - May 2015. Collection method: clinical testing. Allele origin: germline.
Comment: Variant summary: LAMB3 c.1594C>T (p.Arg532X) results in a premature termination codon, predicted to cause a truncation of the encoded protein or absence of the protein due to nonsense mediated decay, which are commonly known mechanisms for disease. Truncations downstream of this position have been classified as pathogenic by our laboratory. The variant allele was found at a frequency of 1.2e-05 in 249996 control chromosomes (gnomAD). c.1594C>T has been reported in the literature in one individual affected with Junctional Epidermolysis Bullosa (Varki_2006). These data indicate that the variant is likely to be associated with disease. To our knowledge, no experimental evidence demonstrating an impact on protein function has been reported. No clinical diagnostic laboratories have submitted clinical-significance assessments for this variant to ClinVar after 2014. Based on the evidence outlined above, the variant was classified as likely pathogenic.

Literature cited by the submitters: PubMed 11023379 (cited by Labcorp Genetics (formerly Invitae), Labcorp); PubMed 16473856 (cited by Labcorp Genetics (formerly Invitae), Labcorp and Women's Health and Genetics/Laboratory Corporation of America, LabCorp); PubMed 29900604 (cited by Women's Health and Genetics/Laboratory Corporation of America, LabCorp).